The following is an entry in ClinVar:

ClinVar aggregate classification (germline): Uncertain significance. Review status: criteria provided, single submitter (1 of 4 stars). 2 submissions from 2 submitters: Uncertain significance (1). 1 of the submissions does not count toward it. Last evaluated 2024-06-22.

Conditions:
KBG syndrome (KBGS). Also called: ANKRD11-Related KBG Syndrome. Identifiers: Orphanet 2332, MedGen C0220687, MONDO:0007846, OMIM 148050.

Allele frequency attached by ClinVar (database versions not stated): TOPMed 0.00002.
gnomAD v4.1: 35 of 1,613,422 alleles (0.0022%); highest among the groups gnomAD compares: African/African-American, 0.004%; no homozygotes.

Submissions (2):

Labcorp Genetics (formerly Invitae), Labcorp
Classification: Uncertain significance for KBG syndrome. Last evaluated: 2024-06-22. Review status: criteria provided, single submitter. Criteria: Invitae Variant Classification Sherloc (09022015). Collection method: clinical testing. Allele origin: germline.
Comment: This sequence change replaces arginine, which is basic and polar, with cysteine, which is neutral and slightly polar, at codon 468 of the ANKRD11 protein (p.Arg468Cys). This variant is present in population databases (rs555075240, gnomAD 0.007%). This variant has not been reported in the literature in individuals affected with ANKRD11-related conditions. ClinVar contains an entry for this variant (Variation ID: 1049923). Advanced modeling of protein sequence and biophysical properties (such as structural, functional, and spatial information, amino acid conservation, physicochemical variation, residue mobility, and thermodynamic stability) performed at Invitae indicates that this missense variant is not expected to disrupt ANKRD11 protein function with a negative predictive value of 95%. In summary, the available evidence is currently insufficient to determine the role of this variant in disease. Therefore, it has been classified as a Variant of Uncertain Significance.

Department of Pathology and Laboratory Medicine, Sinai Health System
Classification: Uncertain significance. Review status: no assertion criteria provided. Collection method: clinical testing. Allele origin: unknown. Affected: yes. Study: The Canadian Open Genetics Repository (COGR). Not counted in ClinVar's aggregate classification.
Comment: The ANKRD11 p.Arg468Cys variant was not identified in the literature nor was it identified in ClinVar. The variant was identified in dbSNP (ID: rs555075240) and in control databases in 6 of 247912 chromosomes at a frequency of 0.0000242 (Genome Aggregation Database March 6, 2019, v2.1.1). The variant was observed in the following populations: Other in 1 of 6102 chromosomes (freq: 0.000164), African in 1 of 15778 chromosomes (freq: 0.000063) and European (non-Finnish) in 4 of 110872 chromosomes (freq: 0.000036), but was not observed in the Latino, Ashkenazi Jewish, East Asian, European (Finnish), or South Asian populations. The p.Arg468 residue is conserved across mammals and other organisms, and four out of five computational analyses (PolyPhen-2, SIFT, AlignGVGD, BLOSUM, MutationTaster) suggest that the variant may impact the protein; however, this information is not predictive enough to assume pathogenicity. The variant occurs outside of the splicing consensus sequence and 2 of 4 in silico or computational prediction software programs (SpliceSiteFinder, MaxEntScan, NNSPLICE, GeneSplicer) predict a greater than 10% difference in splicing; this is not very predictive of pathogenicity. In summary, based on the above information the clinical significance of this variant cannot be determined with certainty at this time. This variant is classified as a variant of uncertain significance.

NM_013275.6(ANKRD11):c.1402C>T (p.Arg468Cys)

Gene: ANKRD11 (ankyrin repeat domain 11; minus strand). Cytogenetic location: 16q24.3.
Variant type: single nucleotide variant.
Coding change: c.1402C>T on transcript NM_013275.6 (MANE Select); coding-DNA position 1402, C replaced by T.
Protein change: p.Arg468Cys; replaces arginine 468 with cysteine.
Molecular consequence: missense variant.
Genome position (GRCh38, 1-based): chr16:89,285,140, G>A on the plus strand (C>T on the coding strand, the complement: ANKRD11 is on the minus strand). VCF-style: chr16-89285140-G-A. GRCh37 (hg19) VCF-style: chr16-89351548-G-A.
Other names: c.1402C>T, p.Arg468Cys (NM_001256182.2, NM_001256183.2); short protein forms R468C.
Identifiers: ClinVar variation 1049923 (VCV001049923.3), dbSNP rs555075240, ClinGen allele CA8242786.